The following is an entry in ClinVar:

ClinVar aggregate classification (germline): Conflicting classifications of pathogenicity. Review status: criteria provided, conflicting classifications (1 of 4 stars). 2 submissions from 2 submitters: Uncertain significance (1); Likely benign (1). Last evaluated 2025-12-15.

Allele frequency attached by ClinVar (database versions not stated): gnomAD 0.00005; gnomAD exomes 0.00006; TOPMed 0.00006; ExAC 0.00012; 1000 Genomes Project 30x 0.00016; 1000 Genomes Project 0.00020.
gnomAD v4.1: 89 of 1,613,520 alleles (0.0055%); highest among the groups gnomAD compares: Middle Eastern, 0.099%; no homozygotes.

Submissions (2):

Ambry Genetics
Classification: Uncertain significance. Last evaluated: 2025-12-15. Review status: criteria provided, single submitter. Criteria: Ambry Variant Classification Scheme 2023. Collection method: clinical testing. Allele origin: germline.

CeGaT Center for Human Genetics Tuebingen
Classification: Likely benign. Last evaluated: 2024-03-01. Review status: criteria provided, single submitter. Criteria: CeGaT Center For Human Genetics Tuebingen Variant Classification Criteria Version 2. Collection method: clinical testing. Allele origin: germline. Affected: yes. Observed: 1 variant allele.
Comment: SIGLEC1: BP4

NM_023068.4(SIGLEC1):c.4228C>T (p.Arg1410Trp)

Gene: SIGLEC1 (sialic acid binding Ig like lectin 1; minus strand). Cytogenetic location: 20p13.
Variant type: single nucleotide variant.
Coding change: c.4228C>T on transcript NM_023068.4 (MANE Select); coding-DNA position 4228, C replaced by T.
Protein change: p.Arg1410Trp; replaces arginine 1410 with tryptophan.
Molecular consequence: missense variant.
Genome position (GRCh38, 1-based): chr20:3,692,005, G>A on the plus strand (C>T on the coding strand, the complement: SIGLEC1 is on the minus strand). VCF-style: chr20-3692005-G-A. GRCh37 (hg19) VCF-style: chr20-3672652-G-A.
Other names: c.4228C>T, p.Arg1410Trp (NM_001367089.1); short protein forms R1410W.
Identifiers: ClinVar variation 2590486 (VCV002590486.23), dbSNP rs200539652, ClinGen allele CA9746219.